The following is an entry in ClinVar:

ClinVar aggregate classification (germline): Conflicting classifications of pathogenicity. Review status: criteria provided, conflicting classifications (1 of 4 stars). 3 submissions from 3 submitters: Uncertain significance (2); Likely benign (1). Last evaluated 2024-07-20.

Conditions:
Familial thoracic aortic aneurysm and aortic dissection (TAAD). Also called: Thoracic aortic aneurysms and dissections. Identifiers: Orphanet 91387, MedGen C4707243, MONDO:0019625.
Shprintzen-Goldberg syndrome (SGS). Also called: SHPRINTZEN-GOLDBERG CRANIOSYNOSTOSIS SYNDROME; CRANIOSYNOSTOSIS WITH ARACHNODACTYLY AND ABDOMINAL HERNIAS; Marfanoid disorder with craniosynostosis type 1; Marfanoid craniosynostosis syndrome; Shprintzen-Goldberg marfanoid syndrome. Identifiers: Orphanet 2462, MedGen C1321551, MONDO:0008426, OMIM 182212.

Allele frequency attached by ClinVar (database versions not stated): gnomAD 0.00002; gnomAD exomes 0.00002; TOPMed 0.00002.

Submissions (3):

Labcorp Genetics (formerly Invitae), Labcorp
Classification: Uncertain significance for Shprintzen-Goldberg syndrome. Last evaluated: 2024-07-20. Review status: criteria provided, single submitter. Criteria: Invitae Variant Classification Sherloc (09022015). Collection method: clinical testing. Allele origin: germline.
Comment: This sequence change replaces leucine, which is neutral and non-polar, with phenylalanine, which is neutral and non-polar, at codon 446 of the SKI protein (p.Leu446Phe). This variant is not present in population databases (gnomAD no frequency). This variant has not been reported in the literature in individuals affected with SKI-related conditions. ClinVar contains an entry for this variant (Variation ID: 636979). Advanced modeling of protein sequence and biophysical properties (such as structural, functional, and spatial information, amino acid conservation, physicochemical variation, residue mobility, and thermodynamic stability) performed at Invitae indicates that this missense variant is not expected to disrupt SKI protein function with a negative predictive value of 95%. In summary, the available evidence is currently insufficient to determine the role of this variant in disease. Therefore, it has been classified as a Variant of Uncertain Significance.

Ambry Genetics
Classification: Uncertain significance for Familial thoracic aortic aneurysm and aortic dissection. Last evaluated: 2023-04-07. Review status: criteria provided, single submitter. Criteria: Ambry Variant Classification Scheme 2023. Collection method: clinical testing. Allele origin: germline.
Comment: The p.L446F variant (also known as c.1336C>T), located in coding exon 4 of the SKI gene, results from a C to T substitution at nucleotide position 1336. The leucine at codon 446 is replaced by phenylalanine, an amino acid with highly similar properties. This amino acid position is well conserved in available vertebrate species. In addition, this alteration is predicted to be tolerated by in silico analysis. Since supporting evidence is limited at this time, the clinical significance of this alteration remains unclear.

Blueprint Genetics
Classification: Likely benign. Last evaluated: 2021-09-09. Review status: criteria provided, single submitter. Criteria: ACMG Guidelines, 2015. Collection method: clinical testing. Allele origin: germline.

NM_003036.4(SKI):c.1336C>T (p.Leu446Phe)

Gene: SKI (SKI proto-oncogene; plus strand). Cytogenetic location: 1p36.32.
Variant type: single nucleotide variant.
Coding change: c.1336C>T on transcript NM_003036.4 (MANE Select); coding-DNA position 1336, C replaced by T.
Protein change: p.Leu446Phe; replaces leucine 446 with phenylalanine.
Molecular consequence: missense variant.
Genome position (GRCh38, 1-based): chr1:2,303,964, C>T. VCF-style: chr1-2303964-C-T. GRCh37 (hg19) VCF-style: chr1-2235403-C-T.
Other names: short protein forms L446F.
Identifiers: ClinVar variation 636979 (VCV000636979.10), dbSNP rs1464178129, ClinGen allele CA337955276.